The following is an entry in ClinVar:

NM_005262.3(GFER):c.444C>G (p.Asp148Glu)

Gene: GFER (growth factor, augmenter of liver regeneration; plus strand). Cytogenetic location: 16p13.3.
Variant type: single nucleotide variant.
Coding change: c.444C>G on transcript NM_005262.3 (MANE Select); coding-DNA position 444, C replaced by G.
Protein change: p.Asp148Glu; replaces aspartic acid 148 with glutamic acid.
Molecular consequence: missense variant.
Genome position (GRCh38, 1-based): chr16:1,984,932, C>G. VCF-style: chr16-1984932-C-G. GRCh37 (hg19) VCF-style: chr16-2034933-C-G.
Other names: short protein forms D148E.
Identifiers: ClinVar variation 2111088 (VCV002111088.4), dbSNP rs1235179082, ClinGen allele CA394303422.

ClinVar aggregate classification (germline): Uncertain significance (1 of 4 stars; one submission).

Submission:

Labcorp Genetics (formerly Invitae), Labcorp
Classification: Uncertain significance. Last evaluated: 2023-11-27. Review status: criteria provided, single submitter. Criteria: Invitae Variant Classification Sherloc (09022015). Collection method: clinical testing. Allele origin: germline.
Comment: This sequence change replaces aspartic acid, which is acidic and polar, with glutamic acid, which is acidic and polar, at codon 148 of the GFER protein (p.Asp148Glu). This variant is not present in population databases (gnomAD no frequency). This variant has not been reported in the literature in individuals affected with GFER-related conditions. ClinVar contains an entry for this variant (Variation ID: 2111088). An algorithm developed to predict the effect of missense changes on protein structure and function (PolyPhen-2) suggests that this variant is likely to be disruptive. In summary, the available evidence is currently insufficient to determine the role of this variant in disease. Therefore, it has been classified as a Variant of Uncertain Significance.